The following is an entry in ClinVar:

NM_003000.3(SDHB):c.464C>G (p.Pro155Arg)

Gene: SDHB (succinate dehydrogenase complex iron sulfur subunit B; minus strand). Cytogenetic location: 1p36.13.
Variant type: single nucleotide variant.
Coding change: c.464C>G on transcript NM_003000.3 (MANE Select); coding-DNA position 464, C replaced by G.
Protein change: p.Pro155Arg; replaces proline 155 with arginine.
Molecular consequence: missense variant.
Genome position (GRCh38, 1-based): chr1:17,027,825, G>C on the plus strand (C>G on the coding strand, the complement: SDHB is on the minus strand). VCF-style: chr1-17027825-G-C. GRCh37 (hg19) VCF-style: chr1-17354320-G-C.
Other names: c.410C>G, p.Pro137Arg (NM_001407361.1); short protein forms P137R, P155R.
Identifiers: ClinVar variation 2430824 (VCV002430824.1), dbSNP rs1553177686, ClinGen allele CA338273002.
Genomic context (GRCh38, chr1:17,027,825, plus strand): 5'-TCTATGGACTGCAGATACTGCTGCTTGCCTTCCTGAGATTCATCCTTCTTCTTCAAATAA[G>C]GCTCAATGGATTTGTACTGTGCATAGAAGTTGCTCAAATCCTGTGGTTAAGAGGAAGAAG-3'
Protein context (NP_002991.2, residues 145-165): NFYAQYKSIE[Pro155Arg]YLKKKDESQE

ClinVar aggregate classification (germline): Uncertain significance (1 of 4 stars; one submission).

Submission:

GeneDx
Classification: Uncertain significance. Last evaluated: 2022-08-15. Review status: criteria provided, single submitter. Criteria: GeneDx Variant Classification Process June 2021. Collection method: clinical testing. Allele origin: germline. Affected: yes.
Comment: Not observed at significant frequency in large population cohorts (gnomAD); In silico analysis supports that this missense variant has a deleterious effect on protein structure/function; This variant is associated with the following publications: (PMID: 30050099)